The following is an entry in ClinVar:

NM_004168.4(SDHA):c.1912A>G (p.Thr638Ala)

Gene: SDHA (succinate dehydrogenase complex flavoprotein subunit A; plus strand). Cytogenetic location: 5p15.33.
Variant type: single nucleotide variant.
Coding change: c.1912A>G on transcript NM_004168.4 (MANE Select); coding-DNA position 1912, A replaced by G.
Protein change: p.Thr638Ala; replaces threonine 638 with alanine.
Molecular consequence: missense variant.
Genome position (GRCh38, 1-based): chr5:256,337, A>G. VCF-style: chr5-256337-A-G. GRCh37 (hg19) VCF-style: chr5-256452-A-G.
Other names: c.1768A>G, p.Thr590Ala (NM_001294332.2); c.1669A>G, p.Thr557Ala (NM_001330758.2); short protein forms T638A, T590A, T557A.
Identifiers: ClinVar variation 1782522 (VCV001782522.2), dbSNP rs2477488795, ClinGen allele CA359002579.
Genomic context (GRCh38, chr5:256,337, plus strand): 5'-AGAGATGGCTTTTTGTACATTTTTGTGCTTAACTTACCACTGACTCTTCTTTTCAAGGTC[A>G]CTCTGGAATATAGACCCGTGATCGACAAAACTTTGAACGAGGCTGACTGTGCCACCGTCC-3'
Protein context (NP_004159.2, residues 628-648): SYVDVGTGKV[Thr638Ala]LEYRPVIDKT

ClinVar aggregate classification (germline): Uncertain significance (1 of 4 stars; one submission).

Conditions:
Hereditary cancer-predisposing syndrome. Also called: Neoplastic Syndromes, Hereditary; Tumor predisposition; Hereditary Cancer Syndrome; Hereditary neoplastic syndrome. Identifiers: Orphanet 140162, MedGen C0027672, MeSH D009386, MONDO:0015356.

Allele frequency attached by ClinVar (database versions not stated): gnomAD exomes 0.00001.
gnomAD v4.1: 8 of 1,612,982 alleles (0.0005%); highest among the groups gnomAD compares: Non-Finnish European, 0.00068%; no homozygotes.

Submission:

Ambry Genetics
Classification: Uncertain significance for Hereditary cancer-predisposing syndrome. Last evaluated: 2022-03-29. Review status: criteria provided, single submitter. Criteria: Ambry Variant Classification Scheme 2023. Collection method: clinical testing. Allele origin: germline.
Comment: The p.T638A variant (also known as c.1912A>G), located in coding exon 15 of the SDHA gene, results from an A to G substitution at nucleotide position 1912. The threonine at codon 638 is replaced by alanine, an amino acid with similar properties. This amino acid position is conserved. In addition, this alteration is predicted to be tolerated by in silico analysis. Since supporting evidence is limited at this time, the clinical significance of this alteration remains unclear.